The following is an entry in ClinVar:

ClinVar aggregate classification (germline): Uncertain significance (1 of 4 stars; one submission).

Submission:

Labcorp Genetics (formerly Invitae), Labcorp
Classification: Uncertain significance. Last evaluated: 2021-12-31. Review status: criteria provided, single submitter. Criteria: Invitae Variant Classification Sherloc (09022015). Collection method: clinical testing. Allele origin: germline.
Comment: In summary, the available evidence is currently insufficient to determine the role of this variant in disease. Therefore, it has been classified as a Variant of Uncertain Significance. Algorithms developed to predict the effect of missense changes on protein structure and function (SIFT, PolyPhen-2, Align-GVGD) all suggest that this variant is likely to be disruptive. This variant has not been reported in the literature in individuals affected with RAB11B-related conditions. This variant is not present in population databases (gnomAD no frequency). This sequence change replaces asparagine, which is neutral and polar, with threonine, which is neutral and polar, at codon 37 of the RAB11B protein (p.Asn37Thr).

NM_004218.4(RAB11B):c.110A>C (p.Asn37Thr)

Gene: RAB11B (RAB11B, member RAS oncogene family; plus strand). Cytogenetic location: 19p13.2.
Variant type: single nucleotide variant.
Coding change: c.110A>C on transcript NM_004218.4 (MANE Select); coding-DNA position 110, A replaced by C.
Protein change: p.Asn37Thr; replaces asparagine 37 with threonine.
Molecular consequence: missense variant.
Genome position (GRCh38, 1-based): chr19:8,399,932, A>C. VCF-style: chr19-8399932-A-C. GRCh37 (hg19) VCF-style: chr19-8464816-A-C.
Other names: short protein forms N37T.
Identifiers: ClinVar variation 2066934 (VCV002066934.4), dbSNP rs778110677, ClinGen allele CA403710176.